The following is an entry in ClinVar:

ClinVar aggregate classification (germline): Uncertain significance (1 of 4 stars; one submission).

Submission:

Ambry Genetics
Classification: Uncertain significance. Last evaluated: 2024-10-21. Review status: criteria provided, single submitter. Criteria: Ambry Variant Classification Scheme 2023. Collection method: clinical testing. Allele origin: germline.
Comment: The p.N1059S variant (also known as c.3176A>G), located in coding exon 1 of the MLH3 gene, results from an A to G substitution at nucleotide position 3176. The asparagine at codon 1059 is replaced by serine, an amino acid with highly similar properties. This amino acid position is conserved. In addition, the in silico prediction for this alteration is inconclusive. Based on the available evidence, the clinical significance of this variant remains unclear.

NM_001040108.2(MLH3):c.3176A>G (p.Asn1059Ser)

Gene: MLH3 (mutL homolog 3; minus strand). Cytogenetic location: 14q24.3.
Variant type: single nucleotide variant.
Coding change: c.3176A>G on transcript NM_001040108.2 (MANE Select); coding-DNA position 3176, A replaced by G.
Protein change: p.Asn1059Ser; replaces asparagine 1059 with serine.
Molecular consequence: missense variant.
Genome position (GRCh38, 1-based): chr14:75,046,480, T>C on the plus strand (A>G on the coding strand, the complement: MLH3 is on the minus strand). VCF-style: chr14-75046480-T-C. GRCh37 (hg19) VCF-style: chr14-75513183-T-C.
Other names: c.3176A>G, p.Asn1059Ser (NM_014381.3); short protein forms N1059S.
Identifiers: ClinVar variation 3396627 (VCV003396627.1).